The following is an entry in ClinVar:

NM_000168.6(GLI3):c.3631G>A (p.Gly1211Arg)

Gene: GLI3 (GLI family zinc finger 3; minus strand). Cytogenetic location: 7p14.1.
Variant type: single nucleotide variant.
Coding change: c.3631G>A on transcript NM_000168.6 (MANE Select); coding-DNA position 3631, G replaced by A.
Protein change: p.Gly1211Arg; replaces glycine 1211 with arginine.
Molecular consequence: missense variant.
Genome position (GRCh38, 1-based): chr7:41,965,442, C>T on the plus strand (G>A on the coding strand, the complement: GLI3 is on the minus strand). VCF-style: chr7-41965442-C-T. GRCh37 (hg19) VCF-style: chr7-42005040-C-T.
Other names: short protein forms G1211R.
Identifiers: ClinVar variation 360228 (VCV000360228.25), dbSNP rs757059523, ClinGen allele CA4230310.
Genomic context (GRCh38, chr7:41,965,442, plus strand): 5'-GCATCAAGTGCTCTGGGCCACCGTAGGGGTTGCTGTTCTCCCCGAGGGTCTGATAGCCCC[C>T]AGCAGGCCCGCTCCTCAAGGGGTTCTGCGGGTGGACGACCATGCCGTTGCAGAACCCAAA-3'
Protein context (NP_000159.3, residues 1201-1221): PQNPLRSGPA[Gly1211Arg]GYQTLGENSN

ClinVar aggregate classification (germline): Conflicting classifications of pathogenicity. Review status: criteria provided, conflicting classifications (1 of 4 stars). 6 submissions from 4 submitters: Uncertain significance (1); Benign (1); Likely benign (4). Last evaluated 2025-05-01.

Conditions:
Pallister-Hall syndrome (PHS). Also called: HYPOTHALAMIC HAMARTOBLASTOMA, HYPOPITUITARISM, IMPERFORATE ANUS, AND POSTAXIAL POLYDACTYLY; GLI3-Related Pallister-Hall Syndrome. Identifiers: Orphanet 672, MedGen C0265220, MONDO:0007804, OMIM 146510.
Greig cephalopolysyndactyly syndrome (GCPS). Also called: GLI3-Related Greig Cephalopolysyndactyly Syndrome; POLYSYNDACTYLY WITH PECULIAR SKULL SHAPE; Greig syndrome. Identifiers: Orphanet 380, MedGen C0265306, MONDO:0008287, OMIM 175700.
Polydactyly. Also called: polydactylism. Identifiers: MedGen C0152427, MONDO:0021003, OMIM 603596, HP:0010442.

Allele frequency attached by ClinVar (database versions not stated): gnomAD exomes 0.00001 and 0.00003; ExAC 0.00002; gnomAD 0.00002; TOPMed 0.00003.
gnomAD v4.1: 40 of 1,607,972 alleles (0.0025%); highest among the groups gnomAD compares: Non-Finnish European, 0.0033%; no homozygotes.

Submissions (6):

CeGaT Center for Human Genetics Tuebingen
Classification: Likely benign. Last evaluated: 2025-05-01. Review status: criteria provided, single submitter. Criteria: CeGaT Center For Human Genetics Tuebingen Variant Classification Criteria Version 2. Collection method: clinical testing. Allele origin: germline. Affected: yes. Observed: 1 variant allele.
Comment: GLI3: BP4

Labcorp Genetics (formerly Invitae), Labcorp
Classification: Benign for Pallister-Hall syndrome; Greig cephalopolysyndactyly syndrome. Last evaluated: 2025-01-22. Review status: criteria provided, single submitter. Criteria: Invitae Variant Classification Sherloc (09022015). Collection method: clinical testing. Allele origin: germline.

GeneDx
Classification: Uncertain significance. Last evaluated: 2023-07-06. Review status: criteria provided, single submitter. Criteria: GeneDx Variant Classification Process June 2021. Collection method: clinical testing. Allele origin: germline. Affected: yes.
Comment: In silico analysis supports that this missense variant does not alter protein structure/function; Has not been previously published as pathogenic or benign to our knowledge

Illumina Laboratory Services, Illumina
Classification: Likely benign for Polydactyly. Last evaluated: 2018-01-13. Review status: criteria provided, single submitter. Criteria: ICSL Variant Classification Criteria 13 December 2019. Collection method: clinical testing. Allele origin: germline.
Comment: This variant was observed in the ICSL laboratory as part of a predisposition screen in an ostensibly healthy population. It had not been previously curated by ICSL or reported in the Human Gene Mutation Database (HGMD: prior to June 1st, 2018), and was therefore a candidate for classification through an automated scoring system. Utilizing variant allele frequency, disease prevalence and penetrance estimates, and inheritance mode, an automated score was calculated to assess if this variant is too frequent to cause the disease. Based on the score and internal cut-off values, a variant classified as likely benign is not then subjected to further curation. The score for this variant resulted in a classification of likely benign for this disease.

Illumina Laboratory Services, Illumina
Classification: Likely benign for Pallister-Hall syndrome. Last evaluated: 2018-01-13. Review status: criteria provided, single submitter. Criteria: ICSL Variant Classification Criteria 13 December 2019. Collection method: clinical testing. Allele origin: germline.
Comment: the same text as in the submission from Illumina Laboratory Services, Illumina above.

Illumina Laboratory Services, Illumina
Classification: Likely benign for Greig cephalopolysyndactyly syndrome. Last evaluated: 2018-01-13. Review status: criteria provided, single submitter. Criteria: ICSL Variant Classification Criteria 13 December 2019. Collection method: clinical testing. Allele origin: germline.
Comment: the same text as in the submission from Illumina Laboratory Services, Illumina above.